The following is an entry in ClinVar:

NM_024577.4(SH3TC2):c.1135+15T>G

Gene: SH3TC2 (SH3 domain and tetratricopeptide repeats 2; minus strand). Cytogenetic location: 5q32.
Variant type: single nucleotide variant.
Coding change: c.1135+15T>G on transcript NM_024577.4 (MANE Select); 15 bases into the intron after coding-DNA position 1135, T replaced by G.
Molecular consequence: intron variant.
Genome position (GRCh38, 1-based): chr5:149,031,539, A>C on the plus strand (T>G on the coding strand, the complement: SH3TC2 is on the minus strand). VCF-style: chr5-149031539-A-C. GRCh37 (hg19) VCF-style: chr5-148411102-A-C.
Identifiers: ClinVar variation 514014 (VCV000514014.4), dbSNP rs765853048, ClinGen allele CA128990472.

ClinVar aggregate classification (germline): Likely benign. Review status: criteria provided, multiple submitters, no conflicts (2 of 4 stars). 2 submissions from 2 submitters: Likely benign (2). Last evaluated 2024-06-06.

Conditions:
Charcot-Marie-Tooth disease type 4. Also called: Charcot-Marie-Tooth disease, type IV; Charcot-Marie-Tooth, Type 4. Identifiers: Orphanet 64749, MedGen C4082197, MONDO:0018995.

Allele frequency attached by ClinVar (database versions not stated): gnomAD 0.00001; gnomAD exomes 0.00001; TOPMed 0.00001.
gnomAD v4.1: 25 of 1,614,036 alleles (0.0015%); highest among the groups gnomAD compares: East Asian, 0.0022%; no homozygotes.

Submissions (2):

Labcorp Genetics (formerly Invitae), Labcorp
Classification: Likely benign for Charcot-Marie-Tooth disease type 4. Last evaluated: 2024-06-06. Review status: criteria provided, single submitter. Criteria: Invitae Variant Classification Sherloc (09022015). Collection method: clinical testing. Allele origin: germline.

GeneDx
Classification: Likely benign. Last evaluated: 2017-12-08. Review status: criteria provided, single submitter. Criteria: GeneDx Variant Classification (06012015). Collection method: clinical testing. Allele origin: germline. Affected: yes.
Comment: This variant is considered likely benign or benign based on one or more of the following criteria: it is a conservative change, it occurs at a poorly conserved position in the protein, it is predicted to be benign by multiple in silico algorithms, and/or has population frequency not consistent with disease.